The following is an entry in ClinVar:

ClinVar aggregate classification (germline): Likely pathogenic (1 of 4 stars; one submission).

Submission:

GeneDx
Classification: Likely pathogenic. Last evaluated: 2017-08-29. Review status: criteria provided, single submitter. Criteria: GeneDx Variant Classification (06012015). Collection method: clinical testing. Allele origin: germline. Affected: yes.
Comment: The Y677X variant in the ELN gene has not been reported previously as a pathogenic variant nor as a benign variant, to our knowledge. This variant is predicted to cause loss of normal protein function either through protein truncation or nonsense-mediated mRNA decay. The Y677X variant is not observed in large population cohorts (Lek et al., 2016; 1000 Genomes Consortium et al., 2015; Exome Variant Server). We interpret Y677X as a likely pathogenic variant.

NM_000501.4(ELN):c.2031C>G (p.Tyr677Ter)

Gene: ELN (elastin; plus strand). Cytogenetic location: 7q11.23.
Variant type: single nucleotide variant.
Coding change: c.2031C>G on transcript NM_000501.4 (MANE Select); coding-DNA position 2031, C replaced by G.
Protein change: p.Tyr677Ter; replaces tyrosine 677 with a stop codon.
Molecular consequence: nonsense.
Genome position (GRCh38, 1-based): chr7:74,065,731, C>G. VCF-style: chr7-74065731-C-G. GRCh37 (hg19) VCF-style: chr7-73480061-C-G.
Other names: c.1944C>G, p.Tyr648Ter (NM_001081752.3); c.1989C>G, p.Tyr663Ter (NM_001081753.3); c.2046C>G, p.Tyr682Ter (NM_001081754.3); c.1974C>G, p.Tyr658Ter (NM_001081755.3); c.2031C>G, p.Tyr677Ter (NM_001278912.2); c.1788C>G, p.Tyr596Ter (NM_001278913.2); c.1959C>G, p.Tyr653Ter (NM_001278914.2); c.2049C>G, p.Tyr683Ter (NM_001278915.2); and 4 more; short protein forms Y677*, Y648*, Y653*, Y658*, Y588*, Y629*, Y663*, Y667*.
Identifiers: ClinVar variation 451699 (VCV000451699.2), dbSNP rs1554688700, ClinGen allele CA367891010.
Genomic context (GRCh38, chr7:74,065,731, plus strand): 5'-CGTCATGTGCCTCATCTCCCCAGGTATACCTCCAGCTGCAGCCGCTAAAGCAGCTAAATA[C>G]GGTGAGTTCCCCTCTGATGCCTTCCTGCCAGTGGCCTGCACCCCCTGCCATGCCCATCGC-3'